The following is an entry in ClinVar:

ClinVar aggregate classification (germline): other (0 of 4 stars; one submission).

Conditions:
Familial colorectal cancer. Identifiers: MedGen CN280943, MONDO:0023113. Disease mechanism: loss of function.

Allele frequency attached by ClinVar (database versions not stated): TOPMed 0.00012; gnomAD 0.00010 and 0.00012.

Submission:

Systems Biology Platform Zhejiang California International NanoSystems Institute
Classification: other for Familial colorectal cancer. Review status: no assertion criteria provided. Collection method: not provided. Allele origin: unknown.
ClinVar note: Converted during submission from cancer to other.

NM_000038.6(APC):c.532-2322A>T

Gene: APC (APC regulator of WNT signaling pathway; plus strand). Cytogenetic location: 5q22.2.
Variant type: single nucleotide variant.
Coding change: c.532-2322A>T on transcript NM_000038.6 (MANE Select); 2322 bases into the intron before coding-DNA position 532, A replaced by T.
Molecular consequence: intron variant.
Genome position (GRCh38, 1-based): chr5:112,778,468, A>T. VCF-style: chr5-112778468-A-T. GRCh37 (hg19) VCF-style: chr5-112114165-A-T.
Other names: c.532-2322A>T (NM_001354895.2, NM_001127510.3, NM_001354896.2 and 2 more transcripts); c.562-2322A>T (NM_001354897.2, NM_001354902.2, NM_001127511.3); c.457-2322A>T (NM_001354898.2, NM_001354904.2); c.-504-2322A>T (NM_001354906.2); c.355-2322A>T (NM_001354900.2, NM_001354901.2, NM_001354905.2).
Identifiers: ClinVar variation 82429 (VCV000082429.2), dbSNP rs79079498, ClinGen allele CA010283.
Genomic context (GRCh38, chr5:112,778,468, plus strand): 5'-GGAGTTTAGCATGGCCCTTGCTCAAGGATGACATGGAAATTGATGAAGTATTCTATATTT[A>T]AAAAAAAAAAAAAAGAAAATTATATAATCTCAAACAAGACTACATATTTTAGCTATTATC-3'